The following is an entry in ClinVar:

NM_006231.4(POLE):c.6278C>G (p.Ser2093Cys)

Gene: POLE (DNA polymerase epsilon, catalytic subunit; minus strand). Cytogenetic location: 12q24.33.
Variant type: single nucleotide variant.
Coding change: c.6278C>G on transcript NM_006231.4 (MANE Select); coding-DNA position 6278, C replaced by G.
Protein change: p.Ser2093Cys; replaces serine 2093 with cysteine.
Molecular consequence: missense variant.
Genome position (GRCh38, 1-based): chr12:132,632,367, G>C on the plus strand (C>G on the coding strand, the complement: POLE is on the minus strand). VCF-style: chr12-132632367-G-C. GRCh37 (hg19) VCF-style: chr12-133208953-G-C.
Other names: short protein forms S2093C.
Identifiers: ClinVar variation 3655088 (VCV003655088.2).
Genomic context (GRCh38, chr12:132,632,367, plus strand): 5'-ACTCTCACCTTGCACACGTATTTGATGAACTCCAGGGCAGGGTTATTGAGCAGCAAGTGG[G>C]AACCGGGGAGGACAGGAAACATCTCTGAGAGCTCAGTGGAGTTCCGAGAGCCTGTGACTT-3'
Protein context (NP_006222.2, residues 2083-2103): LSEMFPVLPG[Ser2093Cys]HLLLNNPALE

ClinVar aggregate classification (germline): Uncertain significance (1 of 4 stars; one submission).

Submission:

Labcorp Genetics (formerly Invitae), Labcorp
Classification: Uncertain significance. Last evaluated: 2024-05-31. Review status: criteria provided, single submitter. Criteria: Invitae Variant Classification Sherloc (09022015). Collection method: clinical testing. Allele origin: germline.
Comment: This sequence change replaces serine, which is neutral and polar, with cysteine, which is neutral and slightly polar, at codon 2093 of the POLE protein (p.Ser2093Cys). This variant is not present in population databases (gnomAD no frequency). This variant has not been reported in the literature in individuals affected with POLE-related conditions. Advanced modeling of protein sequence and biophysical properties (such as structural, functional, and spatial information, amino acid conservation, physicochemical variation, residue mobility, and thermodynamic stability) performed at Invitae indicates that this missense variant is not expected to disrupt POLE protein function with a negative predictive value of 80%. In summary, the available evidence is currently insufficient to determine the role of this variant in disease. Therefore, it has been classified as a Variant of Uncertain Significance.